The following is an entry in ClinVar:

NM_032242.4(PLXNA1):c.3484G>A (p.Glu1162Lys)

Gene: PLXNA1 (plexin A1; plus strand). Cytogenetic location: 3q21.3.
Variant type: single nucleotide variant.
Coding change: c.3484G>A on transcript NM_032242.4 (MANE Select); coding-DNA position 3484, G replaced by A.
Protein change: p.Glu1162Lys; replaces glutamic acid 1162 with lysine.
Molecular consequence: missense variant.
Genome position (GRCh38, 1-based): chr3:127,017,632, G>A. VCF-style: chr3-127017632-G-A. GRCh37 (hg19) VCF-style: chr3-126736475-G-A.
Other names: short protein forms E1162K.
Identifiers: ClinVar variation 4987543 (VCV004987543.1).

ClinVar aggregate classification (germline): Uncertain significance (1 of 4 stars; one submission).

Conditions:
PLXNA1-related disorder. Also called: PLXNA1-related condition.

gnomAD v4.1: 30 of 1,613,600 alleles (0.0019%); highest among the groups gnomAD compares: African/African-American, 0.0027%; no homozygotes.

Submission:

PreventionGenetics, part of Exact Sciences
Classification: Uncertain significance for PLXNA1-related condition. Last evaluated: 2025-07-15. Review status: criteria provided, single submitter. Criteria: ACMG Guidelines, 2015. Collection method: clinical testing. Allele origin: germline.
Comment: The PLXNA1 c.3484G>A variant is predicted to result in the amino acid substitution p.Glu1162Lys. To our knowledge, this variant has not been reported in the literature. This variant is reported in 0.0062% of alleles in individuals of African descent in gnomAD. At this time, the clinical significance of this variant is uncertain due to the absence of conclusive functional and genetic evidence.